The following is an entry in ClinVar:

ClinVar aggregate classification (germline): Uncertain significance (1 of 4 stars; one submission).

Conditions:
Adenylosuccinate lyase deficiency (ADSLD). Also called: ADSL DEFICIENCY. Identifiers: Orphanet 46, MedGen C0268126, MONDO:0007068, OMIM 103050.

Allele frequency attached by ClinVar (database versions not stated): TOPMed 0.00002; gnomAD 0.00003.

Submission:

Labcorp Genetics (formerly Invitae), Labcorp
Classification: Uncertain significance for Adenylosuccinate lyase deficiency. Last evaluated: 2021-12-09. Review status: criteria provided, single submitter. Criteria: Invitae Variant Classification Sherloc (09022015). Collection method: clinical testing. Allele origin: germline.
Comment: This variant is present in population databases (no rsID available, gnomAD 0.007%). This variant occurs in a non-coding region of the ADSL gene. It does not change the encoded amino acid sequence of the ADSL protein. This variant has not been reported in the literature in individuals affected with ADSL-related conditions. Experimental studies and prediction algorithms are not available or were not evaluated, and the functional significance of this variant is currently unknown. In summary, the available evidence is currently insufficient to determine the role of this variant in disease. Therefore, it has been classified as a Variant of Uncertain Significance.

NC_000022.11:g.40346390G>A

Gene: ADSL (adenylosuccinate lyase; plus strand). Cytogenetic location: 22q13.1.
Variant type: single nucleotide variant.
Genome position: GRCh38 VCF-style: chr22-40346390-G-A. GRCh37 (hg19) VCF-style: chr22-40742394-G-A.
Identifiers: ClinVar variation 1988962 (VCV001988962.5), dbSNP rs1335905004, ClinGen allele CA639408312.
Genomic context (GRCh38, chr22:40,346,390, plus strand): 5'-GTAACGTAGGAAGCATCAATCATGTTTCTGGTCAAAGAAGCGAACCAAGTCAATTCTCAG[G>A]CAGAAGCAGCGGAGATTCTCCGCAGCCGGCAGCGCCCAGGGCGCCCGGAACCCAGAGAGC-3'